The following is an entry in ClinVar:

NM_005633.4(SOS1):c.3391+3T>C

Gene: SOS1 (SOS Ras/Rac guanine nucleotide exchange factor 1; minus strand). Cytogenetic location: 2p22.1.
Variant type: single nucleotide variant.
Coding change: c.3391+3T>C on transcript NM_005633.4 (MANE Select); 3 bases into the intron after coding-DNA position 3391, T replaced by C.
Molecular consequence: intron variant.
Genome position (GRCh38, 1-based): chr2:38,989,267, A>G on the plus strand (T>C on the coding strand, the complement: SOS1 is on the minus strand). VCF-style: chr2-38989267-A-G. GRCh37 (hg19) VCF-style: chr2-39216408-A-G.
Other names: c.3370+3T>C (NM_001382394.1); c.3347-1676T>C (NM_001382395.1).
Identifiers: ClinVar variation 633430 (VCV000633430.11), dbSNP rs761579423, ClinGen allele CA1624198.

ClinVar aggregate classification (germline): Conflicting classifications of pathogenicity. Review status: criteria provided, conflicting classifications (1 of 4 stars). 5 submissions from 5 submitters: Uncertain significance (2); Benign (1); Likely benign (2). Last evaluated 2026-02-01.

Conditions:
RASopathy. Also called: rasopathies; Noonan spectrum disorder. Identifiers: Orphanet 536391, MedGen C5555857, MONDO:0021060.
Cardiovascular phenotype. Identifiers: MedGen CN230736.

Allele frequency attached by ClinVar (database versions not stated): gnomAD 0.00001; gnomAD exomes 0.00001 and 0.00005; TOPMed 0.00002; ExAC 0.00004.
gnomAD v4.1: 14 of 1,590,240 alleles (0.00088%); highest among the groups gnomAD compares: Admixed American, 0.018%; no homozygotes.

Submissions (5):

Labcorp Genetics (formerly Invitae), Labcorp
Classification: Uncertain significance for RASopathy. Last evaluated: 2026-02-01. Review status: criteria provided, single submitter. Criteria: Invitae Variant Classification Sherloc (09022015). Collection method: clinical testing. Allele origin: germline.
Comment: This sequence change falls in intron 21 of the SOS1 gene. It does not directly change the encoded amino acid sequence of the SOS1 protein. It affects a nucleotide within the consensus splice site. This variant is present in population databases (rs761579423, gnomAD 0.04%). This variant has not been reported in the literature in individuals affected with SOS1-related conditions. ClinVar contains an entry for this variant (Variation ID: 633430). Variants that disrupt the consensus splice site are a relatively common cause of aberrant splicing (PMID: 17576681, 9536098). Algorithms developed to predict the effect of sequence changes on RNA splicing suggest that this variant is not likely to affect RNA splicing. In summary, the available evidence is currently insufficient to determine the role of this variant in disease. Therefore, it has been classified as a Variant of Uncertain Significance.

Ambry Genetics
Classification: Uncertain significance for Cardiovascular phenotype. Last evaluated: 2022-08-31. Review status: criteria provided, single submitter. Criteria: Ambry Variant Classification Scheme 2023. Collection method: clinical testing. Allele origin: germline.
Comment: The c.3391+3T>C intronic variant results from a T to C substitution 3 nucleotides after coding exon 21 in the SOS1 gene. This nucleotide position is well conserved in available vertebrate species. In silico splice site analysis predicts that this alteration will not have any significant effect on splicing. Since supporting evidence is limited at this time, the clinical significance of this alteration remains unclear.

GeneDx
Classification: Likely benign. Last evaluated: 2021-01-25. Review status: criteria provided, single submitter. Criteria: GeneDx Variant Classification Process June 2021. Collection method: clinical testing. Allele origin: germline. Affected: yes.
Comment: Has not been previously published as pathogenic or benign to our knowledge; In-silico analysis, which includes splice predictors and evolutionary conservation, is inconclusive as to whether the variant alters gene splicing. In the absence of RNA/functional studies, the actual effect of this sequence change is unknown.

Blueprint Genetics
Classification: Likely benign. Last evaluated: 2020-06-30. Review status: criteria provided, single submitter. Criteria: ACMG Guidelines, 2015. Collection method: clinical testing. Allele origin: germline.

Women's Health and Genetics/Laboratory Corporation of America, LabCorp
Classification: Benign. Last evaluated: 2018-06-18. Review status: criteria provided, single submitter. Criteria: LabCorp Variant Classification Summary - May 2015. Collection method: clinical testing. Allele origin: germline.
Comment: Variant summary: SOS1 c.3391+3T>C alters a conserved nucleotide located close to a canonical splice site and therefore could affect mRNA splicing, leading to a significantly altered protein sequence. 4/5 computational tools predict no significant impact on normal splicing. However, these predictions have yet to be confirmed by functional studies. The observed variant frequency within Latino control individuals in the gnomAD database is approximately 12 fold above the estimated maximal expected allele frequency for a pathogenic variant in SOS1 causing Noonan Syndrome and Related Conditions phenotype (3e-05), strongly suggesting that the variant is a benign polymorphism found primarily in populations of Latino origin. To our knowledge, no occurrence of c.3391+3T>C in individuals affected with Noonan Syndrome and Related Conditions and no experimental evidence demonstrating its impact on protein function have been reported. No clinical diagnostic laboratories have submitted clinical-significance assessments for this variant to ClinVar after 2014. Based on the evidence outlined above, the variant was classified as benign.

Literature cited by the submitters: PubMed 17576681 (cited by Labcorp Genetics (formerly Invitae), Labcorp); PubMed 9536098 (cited by Labcorp Genetics (formerly Invitae), Labcorp).